The following is an entry in ClinVar:

NM_203447.4(DOCK8):c.6097C>T (p.Arg2033Cys)

Gene: DOCK8 (dedicator of cytokinesis 8; plus strand). Cytogenetic location: 9p24.3.
Variant type: single nucleotide variant.
Coding change: c.6097C>T on transcript NM_203447.4 (MANE Select); coding-DNA position 6097, C replaced by T.
Protein change: p.Arg2033Cys; replaces arginine 2033 with cysteine.
Molecular consequence: missense variant.
Genome position (GRCh38, 1-based): chr9:463,545, C>T. VCF-style: chr9-463545-C-T. GRCh37 (hg19) VCF-style: chr9-463545-C-T.
Other names: c.5797C>T, p.Arg1933Cys (NM_001190458.2); c.5893C>T, p.Arg1965Cys (NM_001193536.2); c.6097C>T (NM_203447.3); short protein forms R1933C, R1965C, R2033C.
Identifiers: ClinVar variation 1401045 (VCV001401045.7), dbSNP rs751058288, ClinGen allele CA4959682.

ClinVar aggregate classification (germline): Uncertain significance. Review status: criteria provided, multiple submitters, no conflicts (2 of 4 stars). 2 submissions from 2 submitters: Uncertain significance (2). Last evaluated 2025-01-22.

Conditions:
Hyper-IgE recurrent infection syndrome 3, autosomal recessive. Also called: Autosomal recessive hyper-IgE syndrome due to ZNF341 deficiency; HYPER-IgE SYNDROME 3, AUTOSOMAL RECESSIVE, WITH RECURRENT INFECTIONS. Identifiers: Orphanet 641368, MedGen C4748969, MONDO:0032654, OMIM 618282.
Inborn genetic diseases. Identifiers: MedGen C0950123, MeSH D030342.

Allele frequency attached by ClinVar (database versions not stated): gnomAD 0.00001; TOPMed 0.00001; ExAC 0.00002; gnomAD exomes 0.00002.
gnomAD v4.1: 13 of 1,614,026 alleles (0.00081%); highest among the groups gnomAD compares: Middle Eastern, 0.049%; no homozygotes.

Submissions (2):

Ambry Genetics
Classification: Uncertain significance for Inborn genetic diseases. Last evaluated: 2025-01-22. Review status: criteria provided, single submitter. Criteria: Ambry Variant Classification Scheme 2023. Collection method: clinical testing. Allele origin: germline.

Labcorp Genetics (formerly Invitae), Labcorp
Classification: Uncertain significance for Combined immunodeficiency due to DOCK8 deficiency. Last evaluated: 2023-12-21. Review status: criteria provided, single submitter. Criteria: Invitae Variant Classification Sherloc (09022015). Collection method: clinical testing. Allele origin: germline.
Comment: This sequence change replaces arginine, which is basic and polar, with cysteine, which is neutral and slightly polar, at codon 2033 of the DOCK8 protein (p.Arg2033Cys). This variant is present in population databases (rs751058288, gnomAD 0.01%). This variant has not been reported in the literature in individuals affected with DOCK8-related conditions. ClinVar contains an entry for this variant (Variation ID: 1401045). Advanced modeling of protein sequence and biophysical properties (such as structural, functional, and spatial information, amino acid conservation, physicochemical variation, residue mobility, and thermodynamic stability) performed at Invitae indicates that this missense variant is not expected to disrupt DOCK8 protein function with a negative predictive value of 80%. In summary, the available evidence is currently insufficient to determine the role of this variant in disease. Therefore, it has been classified as a Variant of Uncertain Significance.